The following is an entry in ClinVar:

ClinVar aggregate classification (germline): Uncertain significance (1 of 4 stars; one submission).

Conditions:
Hereditary cancer-predisposing syndrome. Also called: Neoplastic Syndromes, Hereditary; Tumor predisposition; Hereditary Cancer Syndrome; Hereditary neoplastic syndrome. Identifiers: Orphanet 140162, MedGen C0027672, MeSH D009386, MONDO:0015356.

gnomAD v4.1: 2 of 1,603,384 alleles (0.00012%); highest among the groups gnomAD compares: South Asian, 0.0011%; no homozygotes.

Submission:

Ambry Genetics
Classification: Uncertain significance for Hereditary cancer-predisposing syndrome. Last evaluated: 2025-11-03. Review status: criteria provided, single submitter. Criteria: Ambry Variant Classification Scheme 2023. Collection method: clinical testing. Allele origin: germline.
Comment: The p.V696A variant (also known as c.2087T>C), located in coding exon 15 of the MSH3 gene, results from a T to C substitution at nucleotide position 2087. The valine at codon 696 is replaced by alanine, an amino acid with similar properties. This amino acid position is conserved. In addition, this alteration is predicted to be tolerated by in silico analysis. Based on the available evidence, the clinical significance of this variant remains unclear.

NM_002439.5(MSH3):c.2087T>C (p.Val696Ala)

Gene: MSH3 (mutS homolog 3; plus strand). Cytogenetic location: 5q14.1.
Variant type: single nucleotide variant.
Coding change: c.2087T>C on transcript NM_002439.5 (MANE Select); coding-DNA position 2087, T replaced by C.
Protein change: p.Val696Ala; replaces valine 696 with alanine.
Molecular consequence: missense variant.
Genome position (GRCh38, 1-based): chr5:80,768,837, T>C. VCF-style: chr5-80768837-T-C. GRCh37 (hg19) VCF-style: chr5-80064656-T-C.
Other names: short protein forms V696A.
Identifiers: ClinVar variation 4654713 (VCV004654713.1).